The following is an entry in ClinVar:

NM_000260.4(MYO7A):c.4045G>T (p.Glu1349Ter)

Gene: MYO7A (myosin VIIA; plus strand). Cytogenetic location: 11q13.5.
Variant type: single nucleotide variant.
Coding change: c.4045G>T on transcript NM_000260.4 (MANE Select); coding-DNA position 4045, G replaced by T.
Protein change: p.Glu1349Ter; replaces glutamic acid 1349 with a stop codon.
Molecular consequence: nonsense.
Genome position (GRCh38, 1-based): chr11:77,192,171, G>T. VCF-style: chr11-77192171-G-T. GRCh37 (hg19) VCF-style: chr11-76903216-G-T.
Other names: c.4045G>T, p.Glu1349Ter (NM_001127180.2); c.4012G>T, p.Glu1338Ter (NM_001369365.1); short protein forms E1338*, E1349*.
Identifiers: ClinVar variation 2042349 (VCV002042349.4), dbSNP rs1170510043, ClinGen allele CA381948826.

ClinVar aggregate classification (germline): Pathogenic (1 of 4 stars; one submission).

Submission:

Labcorp Genetics (formerly Invitae), Labcorp
Classification: Pathogenic. Last evaluated: 2022-03-09. Review status: criteria provided, single submitter. Criteria: Invitae Variant Classification Sherloc (09022015). Collection method: clinical testing. Allele origin: germline.
Comment: This sequence change creates a premature translational stop signal (p.Glu1349*) in the MYO7A gene. It is expected to result in an absent or disrupted protein product. Loss-of-function variants in MYO7A are known to be pathogenic (PMID: 8900236, 25404053). This variant is not present in population databases (gnomAD no frequency). This variant has not been reported in the literature in individuals affected with MYO7A-related conditions. For these reasons, this variant has been classified as Pathogenic.

Literature cited by the submitters: PubMed 8900236; PubMed 25404053.